The following is an entry in ClinVar:

NM_018194.6(HHAT):c.567G>A (p.Trp189Ter)

Gene: HHAT (hedgehog acyltransferase; plus strand). Cytogenetic location: 1q32.2.
Variant type: single nucleotide variant.
Coding change: c.567G>A on transcript NM_018194.6 (MANE Select); coding-DNA position 567, G replaced by A.
Protein change: p.Trp189Ter; replaces tryptophan 189 with a stop codon.
Molecular consequence: nonsense. On other transcripts: intron variant (1).
Genome position (GRCh38, 1-based): chr1:210,404,562, G>A. VCF-style: chr1-210404562-G-A. GRCh37 (hg19) VCF-style: chr1-210577906-G-A.
Other names: c.567G>A, p.Trp189Ter (NM_001122834.4, NM_001170580.3); c.570G>A, p.Trp190Ter (NM_001170587.3); c.372G>A, p.Trp124Ter (NM_001170588.3); c.274-13592G>A (NM_001170564.3); short protein forms W124*, W189*, W190*.
Identifiers: ClinVar variation 4810388 (VCV004810388.1).

ClinVar aggregate classification (germline): Pathogenic (1 of 4 stars; one submission).

gnomAD v4.1: 1 of 1,613,738 alleles (0.000062%); highest among the groups gnomAD compares: Admixed American, 0.0017%; no homozygotes.

Submission:

Labcorp Genetics (formerly Invitae), Labcorp
Classification: Pathogenic. Last evaluated: 2025-08-10. Review status: criteria provided, single submitter. Criteria: Invitae Variant Classification Sherloc (09022015). Collection method: clinical testing. Allele origin: germline.
Comment: This sequence change creates a premature translational stop signal (p.Trp189*) in the HHAT gene. It is expected to result in an absent or disrupted protein product. Loss-of-function variants in HHAT are known to be pathogenic (PMID: 24784881). This variant is not present in population databases (gnomAD no frequency). This variant has not been reported in the literature in individuals affected with HHAT-related conditions. For these reasons, this variant has been classified as Pathogenic.

Literature cited by the submitters: PubMed 24784881.